The following is an entry in ClinVar:

NM_206933.4(USH2A):c.15092G>A (p.Arg5031Gln)

Gene: USH2A (usherin; minus strand). Cytogenetic location: 1q41.
Variant type: single nucleotide variant.
Coding change: c.15092G>A on transcript NM_206933.4 (MANE Select); coding-DNA position 15092, G replaced by A.
Protein change: p.Arg5031Gln; replaces arginine 5031 with glutamine.
Molecular consequence: missense variant.
Genome position (GRCh38, 1-based): chr1:215,634,664, C>T on the plus strand (G>A on the coding strand, the complement: USH2A is on the minus strand). VCF-style: chr1-215634664-C-T. GRCh37 (hg19) VCF-style: chr1-215808006-C-T.
Other names: short protein forms R5031Q.
Identifiers: ClinVar variation 1504801 (VCV001504801.7), dbSNP rs755653202, ClinGen allele CA1392794.

ClinVar aggregate classification (germline): Uncertain significance. Review status: criteria provided, multiple submitters, no conflicts (2 of 4 stars). 2 submissions from 2 submitters: Uncertain significance (2). Last evaluated 2023-10-01.

Conditions:
Retinal dystrophy. Also called: Inherited retinal dystrophy. Identifiers: Orphanet 71862, MedGen C0854723, MeSH D058499, MONDO:0019118, HP:0000556.

Allele frequency attached by ClinVar (database versions not stated): TOPMed below 0.00001; gnomAD 0.00001; ExAC 0.00002; gnomAD exomes 0.00002.
gnomAD v4.1: 27 of 1,614,116 alleles (0.0017%); highest among the groups gnomAD compares: South Asian, 0.0088%; no homozygotes.

Submissions (2):

Dept Of Ophthalmology, Nagoya University
Classification: Uncertain significance for Retinal dystrophy. Last evaluated: 2023-10-01. Review status: criteria provided, single submitter. Criteria: Submitter's publication. Collection method: research. Allele origin: germline. Affected: yes.

Labcorp Genetics (formerly Invitae), Labcorp
Classification: Uncertain significance. Last evaluated: 2022-06-13. Review status: criteria provided, single submitter. Criteria: Invitae Variant Classification Sherloc (09022015). Collection method: clinical testing. Allele origin: germline.
Comment: This sequence change replaces arginine, which is basic and polar, with glutamine, which is neutral and polar, at codon 5031 of the USH2A protein (p.Arg5031Gln). This variant is present in population databases (rs755653202, gnomAD 0.01%). This variant has not been reported in the literature in individuals affected with USH2A-related conditions. Algorithms developed to predict the effect of missense changes on protein structure and function output the following: SIFT: "Tolerated"; PolyPhen-2: "Benign"; Align-GVGD: "Class C0". The glutamine amino acid residue is found in multiple mammalian species, which suggests that this missense change does not adversely affect protein function. In summary, the available evidence is currently insufficient to determine the role of this variant in disease. Therefore, it has been classified as a Variant of Uncertain Significance.